The following is an entry in ClinVar:

NM_001875.5(CPS1):c.-4C>A

Gene: CPS1 (carbamoyl-phosphate synthase 1; plus strand). Cytogenetic location: 2q34.
Variant type: single nucleotide variant.
Coding change: c.-4C>A on transcript NM_001875.5 (MANE Select); 4 bases upstream of the start codon, C replaced by A.
Molecular consequence: 5 prime UTR variant. On other transcripts: synonymous variant (1), non-coding transcript variant (1).
Genome position (GRCh38, 1-based): chr2:210,556,730, C>A. VCF-style: chr2-210556730-C-A. GRCh37 (hg19) VCF-style: chr2-211421454-C-A.
Other names: c.-4C>A (NM_001122633.3, NM_001369257.1); c.30C>A, p.Ile10= (NM_001369256.1); c.15C>A (NM_001122633.2).
Identifiers: ClinVar variation 898740 (VCV000898740.6), dbSNP rs768210605, ClinGen allele CA2085920.
Genomic context (GRCh38, chr2:210,556,730, plus strand): 5'-GTCTTATCACACAATCTCATAAAATTTATGTAATTTCATTTAATTTTAGCCACAAATCAT[C>A]AAAATGACGAGGATTTTGACAGCTTTCAAAGTGGTGAGGACACTGAAGACTGGTTTTGGC-3'

ClinVar aggregate classification (germline): Uncertain significance. Review status: criteria provided, single submitter (1 of 4 stars). 2 submissions from 2 submitters: Uncertain significance (1). 1 of the submissions does not count toward it. Last evaluated 2018-01-12.

Conditions:
Congenital hyperammonemia, type I. Also called: CPS I DEFICIENCY; Carbamoyl-phosphate synthase I deficiency; Carbamoyl phosphate synthetase 1 deficiency; Hyperammonemia due to carbamoyl phosphate synthetase 1 deficiency; CPS 1 deficiency; Carbamyl phosphate synthetase (CPS) deficiency. Identifiers: Orphanet 147, MedGen C4082171, MONDO:0009376, OMIM 237300.
CPS1-related disorder. Also called: CPS1-related condition.

Allele frequency attached by ClinVar (database versions not stated): ExAC 0.00003; gnomAD 0.00004 and 0.00005; gnomAD exomes 0.00005 and 0.00009; TOPMed 0.00006.
gnomAD v4.1: 138 of 1,612,166 alleles (0.0086%); highest among the groups gnomAD compares: Non-Finnish European, 0.011%; no homozygotes.

Submissions (2):

Illumina Laboratory Services, Illumina
Classification: Uncertain significance for Congenital hyperammonemia, type I. Last evaluated: 2018-01-12. Review status: criteria provided, single submitter. Criteria: ICSL Variant Classification Criteria 13 December 2019. Collection method: clinical testing. Allele origin: germline.

PreventionGenetics, part of Exact Sciences
Classification: Likely benign for CPS1-related condition. Last evaluated: 2019-09-05. Review status: no assertion criteria provided. Collection method: clinical testing. Allele origin: germline. Not counted in ClinVar's aggregate classification.
Comment: This variant is classified as likely benign based on ACMG/AMP sequence variant interpretation guidelines (Richards et al. 2015 PMID: 25741868, with internal and published modifications).